The following is an entry in ClinVar:

NM_006506.5(RASA2):c.1794T>A (p.Ser598Arg)

Gene: RASA2 (RAS p21 protein activator 2; plus strand). Cytogenetic location: 3q23.
Variant type: single nucleotide variant.
Coding change: c.1794T>A on transcript NM_006506.5 (MANE Select); coding-DNA position 1794, T replaced by A.
Protein change: p.Ser598Arg; replaces serine 598 with arginine.
Molecular consequence: missense variant.
Genome position (GRCh38, 1-based): chr3:141,586,066, T>A. VCF-style: chr3-141586066-T-A. GRCh37 (hg19) VCF-style: chr3-141304908-T-A.
Other names: c.1794T>A, p.Ser598Arg (NM_001303245.3, NM_001303246.3); c.1794T>A (NM_006506.2); short protein forms S598R.
Identifiers: ClinVar variation 2121280 (VCV002121280.6), dbSNP rs2478778703, ClinGen allele CA354781786.

ClinVar aggregate classification (germline): Uncertain significance. Review status: criteria provided, multiple submitters, no conflicts (2 of 4 stars). 2 submissions from 2 submitters: Uncertain significance (2). Last evaluated 2023-01-18.

Submissions (2):

Ambry Genetics
Classification: Uncertain significance. Last evaluated: 2023-01-18. Review status: criteria provided, single submitter. Criteria: Ambry Variant Classification Scheme 2023. Collection method: clinical testing. Allele origin: germline.
Comment: The p.S598R variant (also known as c.1794T>A), located in coding exon 18 of the RASA2 gene, results from a T to A substitution at nucleotide position 1794. The serine at codon 598 is replaced by arginine, an amino acid with dissimilar properties. This amino acid position is conserved. In addition, this alteration is predicted to be tolerated by in silico analysis. Since supporting evidence is limited at this time, the clinical significance of this alteration remains unclear.

Labcorp Genetics (formerly Invitae), Labcorp
Classification: Uncertain significance. Last evaluated: 2022-04-04. Review status: criteria provided, single submitter. Criteria: Invitae Variant Classification Sherloc (09022015). Collection method: clinical testing. Allele origin: germline.
Comment: This sequence change replaces serine, which is neutral and polar, with arginine, which is basic and polar, at codon 598 of the RASA2 protein (p.Ser598Arg). This variant is not present in population databases (gnomAD no frequency). This variant has not been reported in the literature in individuals affected with RASA2-related conditions. Algorithms developed to predict the effect of missense changes on protein structure and function are either unavailable or do not agree on the potential impact of this missense change (SIFT: "Deleterious"; PolyPhen-2: "Benign"; Align-GVGD: "Class C0"). Algorithms developed to predict the effect of sequence changes on RNA splicing suggest that this variant may create or strengthen a splice site. In summary, the available evidence is currently insufficient to determine the role of this variant in disease. Therefore, it has been classified as a Variant of Uncertain Significance.